The following is an entry in ClinVar:

ClinVar aggregate classification (germline): Pathogenic (1 of 4 stars; one submission).

Conditions:
Neuromuscular disease caused by qualitative or quantitative defects of dystrophin. Also called: Qualitative or quantitative defects of dystrophin. Identifiers: Orphanet 207085, MedGen C5679787, MONDO:0016147.

Submission:

Women's Health and Genetics/Laboratory Corporation of America, LabCorp
Classification: Pathogenic for Neuromuscular disease caused by qualitative or quantitative defects of dystrophin. Last evaluated: 2025-02-07. Review status: criteria provided, single submitter. Criteria: LabCorp Variant Classification Summary - May 2015. Collection method: clinical testing. Allele origin: germline.
Comment: Variant summary: The variant involves the duplication of exons 18-30 in the DMD gene. A presumed nomenclature of c.(2168+1_2169-1)_(4233+1_4234-1)dup has been designated for the purposes of this classification. It is assumed to be a tandem duplication in direct orientation (PMIDs: 25640679, 30054569). This Copy Number Variant (CNV) is expected to alter the reading frame and predicted to result in a truncation or absence of the encoded protein due to nonsense mediated decay (NMD). The variant was absent in 16120 control chromosomes. c.(2168+1_2169-1)_(4233+1_4234-1)dup has been reported in the literature in individuals affected with Duchenne Muscular Dystrophy or Becker Muscular Dystrophy (e.g. Wojtal_2015, Ma_2018). These data indicate that the variant is likely associated with disease. The following publications have been ascertained in the context of this evaluation (PMID: 26686765, 29973226). ClinVar contains an entry for this variant (Variation ID: 1067795). Based on the evidence outlined above, the variant was classified as pathogenic.

Literature cited by the submitters: PubMed 29973226; PubMed 26686765.

NC_000023.10:g.(32408299_32429868)_(32536249_32563275)dup

Gene: DMD (dystrophin; minus strand). Cytogenetic location: Xp21.1.
Variant type: Duplication.
Identifiers: ClinVar variation 3768690 (VCV003768690.1).